The following is an entry in ClinVar:

NM_006261.5(PROP1):c.114G>C (p.Ser38=)

Gene: PROP1 (PROP paired-like homeobox 1; minus strand). Cytogenetic location: 5q35.3.
Variant type: single nucleotide variant.
Coding change: c.114G>C on transcript NM_006261.5 (MANE Select); coding-DNA position 114, G replaced by C.
Protein change: p.Ser38=; no amino-acid change (serine 38 retained).
Molecular consequence: synonymous variant.
Genome position (GRCh38, 1-based): chr5:177,994,334, C>G on the plus strand (G>C on the coding strand, the complement: PROP1 is on the minus strand). VCF-style: chr5-177994334-C-G. GRCh37 (hg19) VCF-style: chr5-177421335-C-G.
Other names: c.114G>C (NM_006261.4).
Identifiers: ClinVar variation 1538259 (VCV001538259.8), dbSNP rs373656666, ClinGen allele CA447992110.

ClinVar aggregate classification (germline): Likely benign. Review status: criteria provided, multiple submitters, no conflicts (2 of 4 stars). 2 submissions from 2 submitters: Likely benign (2). Last evaluated 2023-08-25.

gnomAD v4.1: 2 of 1,593,286 alleles (0.00013%); highest among the groups gnomAD compares: East Asian, 0.0023%; no homozygotes.

Submissions (2):

Women's Health and Genetics/Laboratory Corporation of America, LabCorp
Classification: Likely benign. Last evaluated: 2023-08-25. Review status: criteria provided, single submitter. Criteria: LabCorp Variant Classification Summary - May 2015. Collection method: clinical testing. Allele origin: germline.
Comment: Variant summary: PROP1 c.114G>C alters a non-conserved nucleotide resulting in a synonymous change. Consensus agreement among computation tools predict no significant impact on normal splicing. However, these predictions have yet to be confirmed by functional studies. The variant allele was found at a frequency of 4.8e-06 in 209316 control chromosomes (gnomAD). The available data on variant occurrences in the general population are insufficient to allow any conclusion about variant significance. To our knowledge, no occurrence of c.114G>C in individuals affected with Combined Pituitary Hormone Deficiency and no experimental evidence demonstrating its impact on protein function have been reported. One submitter has cited clinical-significance assessments for this variant to ClinVar after 2014 and has classified the variant as likely benign. Based on the evidence outlined above, the variant was classified as likely benign.

Labcorp Genetics (formerly Invitae), Labcorp
Classification: Likely benign. Last evaluated: 2023-07-09. Review status: criteria provided, single submitter. Criteria: Invitae Variant Classification Sherloc (09022015). Collection method: clinical testing. Allele origin: germline.